The following is an entry in ClinVar:

NM_001134407.3(GRIN2A):c.2168+3A>T

Gene: GRIN2A (glutamate ionotropic receptor NMDA type subunit 2A; minus strand). Cytogenetic location: 16p13.2.
Variant type: single nucleotide variant.
Coding change: c.2168+3A>T on transcript NM_001134407.3 (MANE Select); 3 bases into the intron after coding-DNA position 2168, A replaced by T.
Molecular consequence: intron variant.
Genome position (GRCh38, 1-based): chr16:9,822,261, T>A on the plus strand (A>T on the coding strand, the complement: GRIN2A is on the minus strand). VCF-style: chr16-9822261-T-A. GRCh37 (hg19) VCF-style: chr16-9916118-T-A.
Other names: c.2168+3A>T (NM_001134408.2, NM_000833.5).
Identifiers: ClinVar variation 1697140 (VCV001697140.2), dbSNP rs2141294524, ClinGen allele CA2580092093.

ClinVar aggregate classification (germline): Uncertain significance (1 of 4 stars; one submission).

Submission:

GeneDx
Classification: Uncertain significance. Last evaluated: 2022-01-14. Review status: criteria provided, single submitter. Criteria: GeneDx Variant Classification Process June 2021. Collection method: clinical testing. Allele origin: germline. Affected: yes.
Comment: Not observed at significant frequency in large population cohorts (gnomAD); In silico analysis supports a deleterious effect on splicing; Has not been previously published as pathogenic or benign to our knowledge